The following is an entry in ClinVar:

NM_006767.4(LZTR1):c.2105A>G (p.Glu702Gly)

Gene: LZTR1 (leucine zipper like post translational regulator 1; plus strand). Cytogenetic location: 22q11.21.
Variant type: single nucleotide variant.
Coding change: c.2105A>G on transcript NM_006767.4 (MANE Select); coding-DNA position 2105, A replaced by G.
Protein change: p.Glu702Gly; replaces glutamic acid 702 with glycine.
Molecular consequence: missense variant.
Genome position (GRCh38, 1-based): chr22:20,995,998, A>G. VCF-style: chr22-20995998-A-G. GRCh37 (hg19) VCF-style: chr22-21350287-A-G.
Other names: short protein forms E702G.
Identifiers: ClinVar variation 1376006 (VCV001376006.11), dbSNP rs2147969594, ClinGen allele CA410779335.

ClinVar aggregate classification (germline): Uncertain significance. Review status: criteria provided, multiple submitters, no conflicts (2 of 4 stars). 3 submissions from 3 submitters: Uncertain significance (3). Last evaluated 2023-08-20.

Conditions:
LZTR1-related schwannomatosis. Also called: Schwannomatosis 2; Schwannomatosis-2, susceptibility to. Identifiers: Orphanet 93921, MedGen C3810283, MONDO:0014299, OMIM 615670.
Hereditary cancer-predisposing syndrome. Also called: Neoplastic Syndromes, Hereditary; Hereditary Cancer Syndrome; Tumor predisposition; Hereditary neoplastic syndrome. Identifiers: Orphanet 140162, MedGen C0027672, MeSH D009386, MONDO:0015356.
Cardiovascular phenotype. Identifiers: MedGen CN230736.

Submissions (3):

Baylor Genetics
Classification: Uncertain significance for LZTR1-related schwannomatosis. Last evaluated: 2023-08-20. Review status: criteria provided, single submitter. Criteria: ACMG Guidelines, 2015. Collection method: clinical testing. Allele origin: unknown.

Ambry Genetics
Classification: Uncertain significance for Cardiovascular phenotype; Hereditary cancer-predisposing syndrome. Last evaluated: 2022-08-30. Review status: criteria provided, single submitter. Criteria: Ambry Variant Classification Scheme 2023. Collection method: clinical testing. Allele origin: germline.
Comment: The p.E702G variant (also known as c.2105A>G), located in coding exon 18 of the LZTR1 gene, results from an A to G substitution at nucleotide position 2105. The glutamic acid at codon 702 is replaced by glycine, an amino acid with similar properties. This amino acid position is conserved. In addition, the in silico prediction for this alteration is inconclusive. Since supporting evidence is limited at this time, the clinical significance of this alteration remains unclear.

Labcorp Genetics (formerly Invitae), Labcorp
Classification: Uncertain significance. Last evaluated: 2021-03-26. Review status: criteria provided, single submitter. Criteria: Invitae Variant Classification Sherloc (09022015). Collection method: clinical testing. Allele origin: germline.
Comment: This sequence change replaces glutamic acid with glycine at codon 702 of the LZTR1 protein (p.Glu702Gly). The glutamic acid residue is highly conserved and there is a moderate physicochemical difference between glutamic acid and glycine. This variant is not present in population databases (ExAC no frequency). This variant has not been reported in the literature in individuals with LZTR1-related conditions. Algorithms developed to predict the effect of missense changes on protein structure and function are either unavailable or do not agree on the potential impact of this missense change (SIFT: "Deleterious"; PolyPhen-2: "Benign"; Align-GVGD: "Class C0"). In summary, the available evidence is currently insufficient to determine the role of this variant in disease. Therefore, it has been classified as a Variant of Uncertain Significance.